The following is an entry in ClinVar:

NM_001005273.3(CHD3):c.859A>G (p.Lys287Glu)

Genes: CHD3 (chromodomain helicase DNA binding protein 3; plus strand), LOC126862484 (CDK7 strongly-dependent group 2 enhancer GRCh37_chr17:7797066-7798265; plus strand). Cytogenetic location: 17p13.1.
Variant type: single nucleotide variant.
Coding change: c.859A>G on transcript NM_001005273.3 (MANE Select); coding-DNA position 859, A replaced by G.
Protein change: p.Lys287Glu; replaces lysine 287 with glutamic acid.
Molecular consequence: missense variant.
Genome position (GRCh38, 1-based): chr17:7,893,870, A>G. VCF-style: chr17-7893870-A-G. GRCh37 (hg19) VCF-style: chr17-7797188-A-G.
Other names: c.1036A>G, p.Lys346Glu (NM_001005271.3, NM_001437504.1, NM_001437507.1 and 2 more transcripts); c.859A>G, p.Lys287Glu (NM_005852.4); short protein forms K287E, K346E.
Identifiers: ClinVar variation 4282154 (VCV004282154.2).

ClinVar aggregate classification (germline): Uncertain significance (1 of 4 stars; one submission).

Submission:

GeneDx
Classification: Uncertain significance. Last evaluated: 2026-04-27. Review status: criteria provided, single submitter. Criteria: GeneDx Variant Classification Process June 2021. Collection method: clinical testing. Allele origin: germline.
Comment: Not observed at significant frequency in large population cohorts (gnomAD); In silico analysis supports that this missense variant has a deleterious effect on protein structure/function; Has not been previously published as pathogenic or benign to our knowledge